The following is an entry in ClinVar:

ClinVar aggregate classification (germline): Pathogenic (1 of 4 stars; one submission).

Conditions:
Hereditary cancer-predisposing syndrome. Also called: Neoplastic Syndromes, Hereditary; Tumor predisposition; Hereditary Cancer Syndrome; Hereditary neoplastic syndrome. Identifiers: Orphanet 140162, MedGen C0027672, MeSH D009386, MONDO:0015356.

Submission:

Ambry Genetics
Classification: Pathogenic for Hereditary cancer-predisposing syndrome. Last evaluated: 2021-06-21. Review status: criteria provided, single submitter. Criteria: Ambry Variant Classification Scheme 2023. Collection method: clinical testing. Allele origin: germline.
Comment: The p.Y2905* variant (also known as c.8715T>G), located in coding exon 20 of the BRCA2 gene, results from a T to G substitution at nucleotide position 8715. This changes the amino acid from a tyrosine to a stop codon within coding exon 20. This variant is considered to be rare based on population cohorts in the Genome Aggregation Database (gnomAD). This alteration is expected to result in loss of function by premature protein truncation or nonsense-mediated mRNA decay. As such, this alteration is interpreted as a disease-causing mutation.

NM_000059.4(BRCA2):c.8715T>G (p.Tyr2905Ter)

Gene: BRCA2 (BRCA2 DNA repair associated; plus strand). Cytogenetic location: 13q13.1.
Variant type: single nucleotide variant.
Coding change: c.8715T>G on transcript NM_000059.4 (MANE Select); coding-DNA position 8715, T replaced by G.
Protein change: p.Tyr2905Ter; replaces tyrosine 2905 with a stop codon.
Molecular consequence: nonsense.
Genome position (GRCh38, 1-based): chr13:32,376,752, T>G. VCF-style: chr13-32376752-T-G. GRCh37 (hg19) VCF-style: chr13-32950889-T-G.
Other names: c.8619T>G, p.Tyr2873Ter (NM_001406719.1); c.8715T>G, p.Tyr2905Ter (NM_001406720.1); c.3783T>G, p.Tyr1261Ter (NM_001406721.1); c.2298T>G, p.Tyr766Ter (NM_001406722.1); short protein forms Y1261*, Y766*, Y2873*, Y2905*.
Identifiers: ClinVar variation 1764425 (VCV001764425.2), dbSNP rs45555831, ClinGen allele CA387754928.